The following is an entry in ClinVar:

ClinVar aggregate classification (germline): Pathogenic (1 of 4 stars; one submission).

Submission:

Labcorp Genetics (formerly Invitae), Labcorp
Classification: Pathogenic. Last evaluated: 2024-01-12. Review status: criteria provided, single submitter. Criteria: Invitae Variant Classification Sherloc (09022015). Collection method: clinical testing. Allele origin: germline.
Comment: This sequence change replaces glycine, which is neutral and non-polar, with arginine, which is basic and polar, at codon 968 of the ABCA4 protein (p.Gly968Arg). This variant is not present in population databases (gnomAD no frequency). This missense change has been observed in individual(s) with Stargardt disease (Invitae). Advanced modeling of protein sequence and biophysical properties (such as structural, functional, and spatial information, amino acid conservation, physicochemical variation, residue mobility, and thermodynamic stability) performed at Invitae indicates that this missense variant is expected to disrupt ABCA4 protein function with a positive predictive value of 95%. This variant disrupts the p.Gly968 amino acid residue in ABCA4. Other variant(s) that disrupt this residue have been observed in individuals with ABCA4-related conditions (PMID: 33090715, 33301772; Invitae), which suggests that this may be a clinically significant amino acid residue. For these reasons, this variant has been classified as Pathogenic.

Literature cited by the submitters: PubMed 33090715; PubMed 33301772.

NM_000350.3(ABCA4):c.2902G>C (p.Gly968Arg)

Gene: ABCA4 (ATP binding cassette subfamily A member 4; minus strand). Cytogenetic location: 1p22.1.
Variant type: single nucleotide variant.
Coding change: c.2902G>C on transcript NM_000350.3 (MANE Select); coding-DNA position 2902, G replaced by C.
Protein change: p.Gly968Arg; replaces glycine 968 with arginine.
Molecular consequence: missense variant.
Genome position (GRCh38, 1-based): chr1:94,046,935, C>G on the plus strand (G>C on the coding strand, the complement: ABCA4 is on the minus strand). VCF-style: chr1-94046935-C-G. GRCh37 (hg19) VCF-style: chr1-94512491-C-G.
Other names: c.2680G>C, p.Gly894Arg (NM_001425324.1); short protein forms G894R, G968R.
Identifiers: ClinVar variation 2709172 (VCV002709172.3), dbSNP rs794727220, ClinGen allele CA341275315.